The following is an entry in ClinVar:

NM_014855.3(AP5Z1):c.1484T>G (p.Leu495Arg)

Gene: AP5Z1 (adaptor related protein complex 5 subunit zeta 1; plus strand). Cytogenetic location: 7p22.1.
Variant type: single nucleotide variant.
Coding change: c.1484T>G on transcript NM_014855.3 (MANE Select); coding-DNA position 1484, T replaced by G.
Protein change: p.Leu495Arg; replaces leucine 495 with arginine.
Molecular consequence: missense variant. On other transcripts: non-coding transcript variant (1).
Genome position (GRCh38, 1-based): chr7:4,788,183, T>G. VCF-style: chr7-4788183-T-G. GRCh37 (hg19) VCF-style: chr7-4827814-T-G.
Other names: c.1016T>G, p.Leu339Arg (NM_001364858.1); short protein forms L339R, L495R.
Identifiers: ClinVar variation 1307858 (VCV001307858.2), dbSNP rs2115119976, ClinGen allele CA366663165.

ClinVar aggregate classification (germline): Uncertain significance (1 of 4 stars; one submission).

Submission:

GeneDx
Classification: Uncertain significance. Last evaluated: 2019-08-15. Review status: criteria provided, single submitter. Criteria: GeneDx Variant Classification Process June 2021. Collection method: clinical testing. Allele origin: germline. Affected: yes.
Comment: Not observed in large population cohorts (Lek et al., 2016); In silico analysis, which includes protein predictors and evolutionary conservation, supports a deleterious effect; Has not been previously published as pathogenic or benign to our knowledge